The following is an entry in ClinVar:

NM_006348.5(COG5):c.1430C>G (p.Pro477Arg)

Gene: COG5 (component of oligomeric golgi complex 5; minus strand). Cytogenetic location: 7q22.3.
Variant type: single nucleotide variant.
Coding change: c.1430C>G on transcript NM_006348.5 (MANE Select); coding-DNA position 1430, C replaced by G.
Protein change: p.Pro477Arg; replaces proline 477 with arginine.
Molecular consequence: missense variant. On other transcripts: intron variant (1).
Genome position (GRCh38, 1-based): chr7:107,283,616, G>C on the plus strand (C>G on the coding strand, the complement: COG5 is on the minus strand). VCF-style: chr7-107283616-G-C. GRCh37 (hg19) VCF-style: chr7-106924061-G-C.
Other names: c.1430C>G, p.Pro477Arg (NM_001161520.2, NM_001379512.1, NM_001379513.1 and 2 more transcripts); c.860C>G, p.Pro287Arg (NM_001379515.1); c.716C>G, p.Pro239Arg (NM_001379516.1); c.1314-2217C>G (NM_001379511.1); short protein forms P287R, P239R, P477R.
Identifiers: ClinVar variation 1045873 (VCV001045873.8), dbSNP rs1805365099, ClinGen allele CA368938112.
Genomic context (GRCh38, chr7:107,283,616, plus strand): 5'-ATAAAAAATACATACCTTGCTATAGTTTTAATAATACCATCAAGTTCATCAGAGGAAGGA[G>C]GATTACGACCACCCGGGGGAAAAACCAAGTTGATAGGATCGAAGAGTCGAGATAAGGATT-3'
Protein context (NP_006339.4, residues 467-487): NLVFPPGGRN[Pro477Arg]PSSDELDGII

ClinVar aggregate classification (germline): Uncertain significance (1 of 4 stars; one submission).

Conditions:
COG5-congenital disorder of glycosylation. Also called: CONGENITAL DISORDER OF GLYCOSYLATION, TYPE IIi; COG5-CDG; CDG IIi. Identifiers: Orphanet 263487, MedGen C3150876, MONDO:0013325, OMIM 613612.

gnomAD v4.1: 1 of 1,613,952 alleles (0.000062%); highest among the groups gnomAD compares: Non-Finnish European, 0.000085%; no homozygotes.

Submission:

Labcorp Genetics (formerly Invitae), Labcorp
Classification: Uncertain significance for COG5-congenital disorder of glycosylation. Last evaluated: 2020-09-25. Review status: criteria provided, single submitter. Criteria: Invitae Variant Classification Sherloc (09022015). Collection method: clinical testing. Allele origin: germline.
Comment: In summary, the available evidence is currently insufficient to determine the role of this variant in disease. Therefore, it has been classified as a Variant of Uncertain Significance. Algorithms developed to predict the effect of missense changes on protein structure and function are either unavailable or do not agree on the potential impact of this missense change (SIFT: "Tolerated"; PolyPhen-2: "Possibly Damaging"; Align-GVGD: "Class C0"). This variant has not been reported in the literature in individuals with COG5-related conditions. This variant is not present in population databases (ExAC no frequency). This sequence change replaces proline with arginine at codon 508 of the COG5 protein (p.Pro508Arg). The proline residue is highly conserved and there is a moderate physicochemical difference between proline and arginine.